The following is an entry in ClinVar:

ClinVar aggregate classification (germline): Uncertain significance. Review status: criteria provided, multiple submitters, no conflicts (2 of 4 stars). 2 submissions from 2 submitters: Uncertain significance (2). Last evaluated 2026-06-06.

Conditions:
Long QT syndrome (LQTS). Identifiers: MedGen C0023976, MeSH D008133, MONDO:0002442. Disease mechanism: loss of function. Inheritance: Various modes of inheritance.
Cardiovascular phenotype. Identifiers: MedGen CN230736.

gnomAD v4.1: 1 of 1,611,934 alleles (0.000062%); highest among the groups gnomAD compares: African/African-American, 0.0013%; no homozygotes.

Submissions (2):

Ambry Genetics
Classification: Uncertain significance for Cardiovascular phenotype. Last evaluated: 2026-06-06. Review status: criteria provided, single submitter. Criteria: Ambry Variant Classification Scheme 2023. Collection method: clinical testing. Allele origin: germline.
Comment: The p.A1847S variant (also known as c.5539G>T), located in coding exon 43 of the CACNA1C gene, results from a G to T substitution at nucleotide position 5539. The alanine at codon 1847 is replaced by serine, an amino acid with similar properties. This amino acid position is conserved. In addition, this alteration is predicted to be tolerated by in silico analysis. Based on the available evidence, the clinical significance of this variant remains unclear.

Labcorp Genetics (formerly Invitae), Labcorp
Classification: Uncertain significance for Long QT syndrome. Last evaluated: 2025-08-25. Review status: criteria provided, single submitter. Criteria: Invitae Variant Classification Sherloc (09022015). Collection method: clinical testing. Allele origin: germline.
Comment: This sequence change replaces alanine, which is neutral and non-polar, with serine, which is neutral and polar, at codon 1847 of the CACNA1C protein (p.Ala1847Ser). This variant is present in population databases (no rsID available, gnomAD 0.01%). This variant has not been reported in the literature in individuals affected with CACNA1C-related conditions. Invitae Evidence Modeling of protein sequence and biophysical properties (such as structural, functional, and spatial information, amino acid conservation, physicochemical variation, residue mobility, and thermodynamic stability) indicates that this missense variant is not expected to disrupt CACNA1C protein function with a negative predictive value of 95%. In summary, the available evidence is currently insufficient to determine the role of this variant in disease. Therefore, it has been classified as a Variant of Uncertain Significance.

NM_000719.7(CACNA1C):c.5539G>T (p.Ala1847Ser)

Genes: CACNA1C-AS1 (CACNA1C antisense RNA 1; minus strand), CACNA1C (calcium voltage-gated channel subunit alpha1 C; plus strand). Cytogenetic location: 12p13.33.
Variant type: single nucleotide variant.
Coding change: c.5539G>T on transcript NM_000719.7 (MANE Select); coding-DNA position 5539, G replaced by T.
Protein change: p.Ala1847Ser; replaces alanine 1847 with serine.
Molecular consequence: missense variant.
Genome position (GRCh38, 1-based): chr12:2,682,644, G>T. VCF-style: chr12-2682644-G-T. GRCh37 (hg19) VCF-style: chr12-2791810-G-T.
Other names: c.5683G>T, p.Ala1895Ser (NM_001129827.2); c.5662G>T, p.Ala1888Ser (NM_001129829.2); c.5644G>T, p.Ala1882Ser (NM_001129830.3, NM_001167624.3); c.5623G>T, p.Ala1875Ser (NM_001129831.2); c.5599G>T, p.Ala1867Ser (NM_001129832.2); c.5596G>T, p.Ala1866Ser (NM_001129833.2, NM_001129834.2, NM_001129835.2); c.5590G>T, p.Ala1864Ser (NM_001129836.2); c.5563G>T, p.Ala1855Ser (NM_001129837.2, NM_001129838.2); and 6 more; short protein forms A1836S, A1853S, A1855S, A1844S, A1864S, A1867S, A1888S, A1847S.
Identifiers: ClinVar variation 4775764 (VCV004775764.2).
Genomic context (GRCh38, chr12:2,682,644, plus strand): 5'-GGTCAGGAGGAGACGTCTCAGGATGAGACCTATGAAGTGAAGATGAACCATGACACGGAG[G>T]CCTGCAGTGAGCCCAGCCTGCTCTCCACAGAGATGTGAGCTCTGCTGCCCTCTGCTGAGG-3'
Protein context (NP_000710.5, residues 1837-1857): YEVKMNHDTE[Ala1847Ser]CSEPSLLSTE